The following is an entry in ClinVar:

NM_001042492.3(NF1):c.703T>C (p.Tyr235His)

Gene: NF1 (neurofibromin 1; plus strand). Cytogenetic location: 17q11.2.
Variant type: single nucleotide variant.
Coding change: c.703T>C on transcript NM_001042492.3 (MANE Select); coding-DNA position 703, T replaced by C.
Protein change: p.Tyr235His; replaces tyrosine 235 with histidine.
Molecular consequence: missense variant.
Genome position (GRCh38, 1-based): chr17:31,181,758, T>C. VCF-style: chr17-31181758-T-C. GRCh37 (hg19) VCF-style: chr17-29508776-T-C.
Other names: c.703T>C, p.Tyr235His (NM_000267.4, NM_001128147.3); short protein forms Y235H.
Identifiers: ClinVar variation 220294 (VCV000220294.16), dbSNP rs864622465, ClinGen allele CA349262.

ClinVar aggregate classification (germline): Conflicting classifications of pathogenicity. Review status: criteria provided, conflicting classifications (1 of 4 stars). 7 submissions from 6 submitters: Uncertain significance (6); Likely benign (1). Last evaluated 2025-06-04.

Conditions:
Hereditary cancer-predisposing syndrome. Also called: Tumor predisposition; Hereditary neoplastic syndrome; Neoplastic Syndromes, Hereditary; Hereditary Cancer Syndrome. Identifiers: Orphanet 140162, MedGen C0027672, MeSH D009386, MONDO:0015356.
Cardiovascular phenotype. Identifiers: MedGen CN230736.
Neurofibromatosis-Noonan syndrome (NFNS). Also called: NEUROFIBROMATOSIS WITH NOONAN PHENOTYPE. Identifiers: Orphanet 638, MedGen C2931482, MONDO:0011035, OMIM 601321. Disease mechanism: loss of function.
Café-au-lait macules with pulmonary stenosis (WTSN). Also called: PULMONIC STENOSIS WITH CAFE-AU-LAIT SPOTS. Identifiers: MedGen C0553586, MONDO:0008672, OMIM 193520.
Neurofibromatosis, familial spinal (FSNF). Identifiers: Orphanet 636, MedGen C1834235, MONDO:0008078, OMIM 162210. Disease mechanism: loss of function.
Juvenile myelomonocytic leukemia (JMML). Also called: LEUKEMIA, JUVENILE MYELOMONOCYTIC, SOMATIC. Identifiers: Orphanet 86834, MedGen C0349639, MONDO:0011908, OMIM 607785, HP:0012209.
Neurofibromatosis, type 1 (NF1). Also called: Peripheral type neurofibromatosis; NEUROFIBROMATOSIS, TYPE I, SOMATIC; Neurofibromatosis, type I; VON RECKLINGHAUSEN DISEASE. Identifiers: Orphanet 636, MedGen C0027831, MONDO:0018975, OMIM 162200. Disease mechanism: loss of function.

Allele frequency attached by ClinVar (database versions not stated): gnomAD exomes below 0.00001 and 0.00001.
gnomAD v4.1: 2 of 1,609,206 alleles (0.00012%); highest among the groups gnomAD compares: Admixed American, 0.0033%; no homozygotes.

Submissions (7):

Quest Diagnostics Nichols Institute San Juan Capistrano
Classification: Uncertain significance. Last evaluated: 2025-06-04. Review status: criteria provided, single submitter. Criteria: Quest Diagnostics criteria. Collection method: clinical testing. Allele origin: unknown.

Women's Health and Genetics/Laboratory Corporation of America, LabCorp
Classification: Uncertain significance. Last evaluated: 2025-03-24. Review status: criteria provided, single submitter. Criteria: LabCorp Variant Classification Summary - May 2015. Collection method: clinical testing. Allele origin: germline.
Comment: Variant summary: NF1 c.703T>C (p.Tyr235His) results in a conservative amino acid change in the encoded protein sequence. Four of five in-silico tools predict a benign effect of the variant on protein function. The variant allele was found at a frequency of 8e-06 in 251196 control chromosomes. The available data on variant occurrences in the general population are insufficient to allow any conclusion about variant significance. To our knowledge, no occurrence of c.703T>C in individuals affected with Neurofibromatosis Type 1 and no experimental evidence demonstrating its impact on protein function have been reported. ClinVar contains an entry for this variant (Variation ID: 220294). Based on the evidence outlined above, the variant was classified as uncertain significance.

Fulgent Genetics
Classification: Uncertain significance for Neurofibromatosis, type 1; Neurofibromatosis, familial spinal; Café-au-lait macules with pulmonary stenosis; Neurofibromatosis-Noonan syndrome; Juvenile myelomonocytic leukemia. Last evaluated: 2024-05-22. Review status: criteria provided, single submitter. Criteria: ACMG Guidelines, 2015. Collection method: clinical testing. Allele origin: germline.

Labcorp Genetics (formerly Invitae), Labcorp
Classification: Likely benign for Neurofibromatosis, type 1. Last evaluated: 2024-04-16. Review status: criteria provided, single submitter. Criteria: Invitae Variant Classification Sherloc (09022015). Collection method: clinical testing. Allele origin: germline.

Genome-Nilou Lab
Classification: Uncertain significance for Neurofibromatosis, type 1. Last evaluated: 2022-03-15. Review status: criteria provided, single submitter. Criteria: ACMG Guidelines, 2015. Collection method: clinical testing. Allele origin: germline. Affected: no.

Ambry Genetics
Classification: Uncertain significance for Cardiovascular phenotype; Hereditary cancer-predisposing syndrome. Last evaluated: 2021-06-25. Review status: criteria provided, single submitter. Criteria: Ambry Variant Classification Scheme 2023. Collection method: clinical testing. Allele origin: germline.

Ambry Genetics
Classification: Uncertain significance for Hereditary cancer-predisposing syndrome. Last evaluated: 2015-05-15. Review status: criteria provided, single submitter. Criteria: Ambry Autosomal Dominant and X-Linked criteria (10/2015). Collection method: clinical testing. Allele origin: germline. Observed: 1 variant allele.
Comment: The p.Y235H variant (also known as c.703T>C), located in coding exon 7 of the NF1 gene, results from a T to C substitution at nucleotide position 703. The tyrosine at codon 235 is replaced by histidine, an amino acid with similar properties. This variant was not reported in population based cohorts in the following databases: Database of Single Nucleotide Polymorphisms (dbSNP), NHLBI Exome Sequencing Project (ESP), and 1000 Genomes Project. In the ESP, this variant was not observed in 6499 samples (12998 alleles) with coverage at this position. To date, this alteration has been detected with an allele frequency of approximately 0.002% (greater than 55,000 alleles tested) in our clinical cohort. This amino acid position is highly conserved in available vertebrate species. However, this alteration is predicted to be benign and tolerated by PolyPhen and SIFT in silico analyses, respectively. Since supporting evidence is limited at this time, the clinical significance of p.Y235H remains unclear.